The following is an entry in ClinVar:

NM_003611.3(OFD1):c.62A>G (p.Lys21Arg)

Genes: OFD1 (OFD1 centriole and centriolar satellite protein; plus strand), LOC126863212 (CDK7 strongly-dependent group 2 enhancer GRCh37_chrX:13752241-13753440; plus strand). Cytogenetic location: Xp22.2.
Variant type: single nucleotide variant.
Coding change: c.62A>G on transcript NM_003611.3 (MANE Select); coding-DNA position 62, A replaced by G.
Protein change: p.Lys21Arg; replaces lysine 21 with arginine.
Molecular consequence: missense variant. On other transcripts: 5 prime UTR variant (1).
Genome position (GRCh38, 1-based): chrX:13,735,297, A>G. VCF-style: chrX-13735297-A-G. GRCh37 (hg19) VCF-style: chrX-13753416-A-G.
Other names: c.62A>G, p.Lys21Arg (NM_001330209.2); c.-484A>G (NM_001330210.2); short protein forms K21R.
Identifiers: ClinVar variation 3757313 (VCV003757313.2).
Genomic context (GRCh38, chrX:13,735,297, plus strand): 5'-TTGTCTTTTAGTCCAACATGTTTACCGTGGCTGATGTGTTGAGTCAAGATGAACTGCGCA[A>G]AAAGCTATACCAGACGTTTAAGGATCGGGGTATACTGGATACACTCAAGGTATCGGATTT-3'
Protein context (NP_003602.1, residues 11-31): ADVLSQDELR[Lys21Arg]KLYQTFKDRG

ClinVar aggregate classification (germline): Uncertain significance (1 of 4 stars; one submission).

Conditions:
Joubert syndrome. Also called: CEREBELLOPARENCHYMAL DISORDER IV; JOUBERT-BOLTSHAUSER SYNDROME; Familial aplasia of the vermis. Identifiers: Orphanet 475, MedGen C5979921, MONDO:0018772.
Orofaciodigital syndrome I (OFD1). Also called: OFDS I; Papillon-Leage and Psaume Syndrome; Oral-Facial-Digital Syndrome Type I. Identifiers: Orphanet 2750, MedGen C1510460, MONDO:0010702, OMIM 311200.

Submission:

Labcorp Genetics (formerly Invitae), Labcorp
Classification: Uncertain significance for Orofaciodigital syndrome I; Joubert syndrome. Last evaluated: 2024-08-31. Review status: criteria provided, single submitter. Criteria: Invitae Variant Classification Sherloc (09022015). Collection method: clinical testing. Allele origin: germline.
Comment: This sequence change replaces lysine, which is basic and polar, with arginine, which is basic and polar, at codon 21 of the OFD1 protein (p.Lys21Arg). This variant is not present in population databases (gnomAD no frequency). This variant has not been reported in the literature in individuals affected with OFD1-related conditions. Invitae Evidence Modeling of protein sequence and biophysical properties (such as structural, functional, and spatial information, amino acid conservation, physicochemical variation, residue mobility, and thermodynamic stability) indicates that this missense variant is not expected to disrupt OFD1 protein function with a negative predictive value of 80%. In summary, the available evidence is currently insufficient to determine the role of this variant in disease. Therefore, it has been classified as a Variant of Uncertain Significance.